The following is an entry in ClinVar:

ClinVar aggregate classification (germline): Likely benign. Review status: reviewed by expert panel (3 of 4 stars). 2 submissions from 2 submitters: Likely benign (1). 1 of the submissions does not count toward it. Last evaluated 2017-06-29.

Conditions:
Breast-ovarian cancer, familial, susceptibility to, 2 (BROVCA2). Also called: BRCA2 Hereditary Breast and Ovarian Cancer. Identifiers: Orphanet 145, MedGen C2675520, MONDO:0012933, OMIM 612555. Disease mechanism: loss of function.

Submissions (2):

Evidence-based Network for the Interpretation of Germline Mutant Alleles (ENIGMA)
Classification: Likely benign for Breast-ovarian cancer, familial, susceptibility to, 2. Last evaluated: 2017-06-29. Review status: reviewed by expert panel. Criteria: ENIGMA BRCA1/2 Classification Criteria (2017-06-29). Collection method: curation. Allele origin: germline.
Comment: Synonymous substitution variant, with low bioinformatic likelihood to result in a splicing aberration (Splicing prior probability 0.02).

Sharing Clinical Reports Project (SCRP)
Classification: Uncertain significance for Breast-ovarian cancer, familial 2. Last evaluated: 2012-05-01. Review status: no assertion criteria provided. Collection method: clinical testing. Allele origin: germline. Not counted in ClinVar's aggregate classification.

NM_000059.4(BRCA2):c.777A>G (p.Arg259=)

Gene: BRCA2 (BRCA2 DNA repair associated; plus strand). Cytogenetic location: 13q13.1.
Variant type: single nucleotide variant.
Coding change: c.777A>G on transcript NM_000059.4 (MANE Select); coding-DNA position 777, A replaced by G.
Protein change: p.Arg259=; no amino-acid change (arginine 259 retained).
Molecular consequence: synonymous variant.
Genome position (GRCh38, 1-based): chr13:32,331,014, A>G. VCF-style: chr13-32331014-A-G. GRCh37 (hg19) VCF-style: chr13-32905151-A-G.
Other names: R296G; 1005A>G.
Identifiers: ClinVar variation 96858 (VCV000096858.3), dbSNP rs431825356, ClinGen allele CA025272.